The following is an entry in ClinVar:

NM_015512.5(DNAH1):c.643T>A (p.Ser215Thr)

Gene: DNAH1 (dynein axonemal heavy chain 1; plus strand). Cytogenetic location: 3p21.1.
Variant type: single nucleotide variant.
Coding change: c.643T>A on transcript NM_015512.5 (MANE Select); coding-DNA position 643, T replaced by A.
Protein change: p.Ser215Thr; replaces serine 215 with threonine.
Molecular consequence: missense variant.
Genome position (GRCh38, 1-based): chr3:52,326,796, T>A. VCF-style: chr3-52326796-T-A. GRCh37 (hg19) VCF-style: chr3-52360812-T-A.
Other names: short protein forms S215T.
Identifiers: ClinVar variation 1675923 (VCV001675923.33), dbSNP rs2153223043, ClinGen allele CA353088981.

ClinVar aggregate classification (germline): Uncertain significance (1 of 4 stars; one submission).

Submission:

CeGaT Center for Human Genetics Tuebingen
Classification: Uncertain significance. Last evaluated: 2022-03-01. Review status: criteria provided, single submitter. Criteria: CeGaT Center For Human Genetics Tuebingen Variant Classification Criteria Version 2. Collection method: clinical testing. Allele origin: germline. Affected: yes. Observed: 1 variant allele.
Comment: DNAH1: PM2, BP4